The following is an entry in ClinVar:

ClinVar aggregate classification (germline): Uncertain significance (1 of 4 stars; one submission).

Submission:

GeneDx
Classification: Uncertain significance. Last evaluated: 2022-12-02. Review status: criteria provided, single submitter. Criteria: GeneDx Variant Classification Process June 2021. Collection method: clinical testing. Allele origin: germline. Affected: yes.
Comment: Not observed at significant frequency in large population cohorts (gnomAD); In silico analysis supports that this missense variant has a deleterious effect on protein structure/function; Has not been previously published as pathogenic or benign to our knowledge

NM_000142.5(FGFR3):c.416A>T (p.Asp139Val)

Gene: FGFR3 (fibroblast growth factor receptor 3; plus strand). Cytogenetic location: 4p16.3.
Variant type: single nucleotide variant.
Coding change: c.416A>T on transcript NM_000142.5 (MANE Select); coding-DNA position 416, A replaced by T.
Protein change: p.Asp139Val; replaces aspartic acid 139 with valine.
Molecular consequence: missense variant. On other transcripts: non-coding transcript variant (1).
Genome position (GRCh38, 1-based): chr4:1,799,783, A>T. VCF-style: chr4-1799783-A-T. GRCh37 (hg19) VCF-style: chr4-1801510-A-T.
Other names: c.416A>T, p.Asp139Val (NM_001163213.2, NM_001354809.2, NM_001354810.2 and 1 more transcripts); short protein forms D139V.
Identifiers: ClinVar variation 2504510 (VCV002504510.1), dbSNP rs376268669, ClinGen allele CA355973609.